The following is an entry in ClinVar:

ClinVar aggregate classification (germline): Pathogenic (1 of 4 stars; one submission).

Conditions:
Nemaline myopathy 2 (NEM2). Also called: Nemaline myopathy 2, autosomal recessive. Identifiers: MedGen C1850569, MONDO:0009725, OMIM 256030.

Submission:

Myriad Genetics, Inc.
Classification: Pathogenic for Nemaline myopathy 2. Last evaluated: 2024-07-12. Review status: criteria provided, single submitter. Criteria: Myriad Autosomal Dominant, Autosomal Recessive and X-Linked Classification Criteria (2023). Collection method: clinical testing. Allele origin: unknown.
Comment: NM_001271208.1(NEB):c.18874C>T(Q6292*) is expected to be pathogenic in the context of NEB-related nemaline myopathy. This variant is predicted to lead to an abnormal or absent protein product due to the creation of a premature termination codon in NEB, a gene where loss-of-function variants are known to be pathogenic. Please note: this variant was assessed in the context of healthy population screening.

NM_001164508.2(NEB):c.18874C>T (p.Gln6292Ter)

Gene: NEB (nebulin; minus strand). Cytogenetic location: 2q23.3.
Variant type: single nucleotide variant.
Coding change: c.18874C>T on transcript NM_001164508.2 (MANE Select); coding-DNA position 18874, C replaced by T.
Protein change: p.Gln6292Ter; replaces glutamine 6292 with a stop codon.
Molecular consequence: nonsense.
Genome position (GRCh38, 1-based): chr2:151,562,628, G>A on the plus strand (C>T on the coding strand, the complement: NEB is on the minus strand). VCF-style: chr2-151562628-G-A. GRCh37 (hg19) VCF-style: chr2-152419142-G-A.
Other names: c.18874C>T, p.Gln6292Ter (NM_001164507.2, NM_001271208.2); c.13771C>T, p.Gln4591Ter (NM_004543.5); short protein forms Q4591*, Q6292*.
Identifiers: ClinVar variation 5013309 (VCV005013309.1).